The following is an entry in ClinVar:

ClinVar aggregate classification (germline): Likely benign. Review status: criteria provided, multiple submitters, no conflicts (2 of 4 stars). 2 submissions from 2 submitters: Likely benign (2). Last evaluated 2025-12-26.

Allele frequency attached by ClinVar (database versions not stated): ExAC 0.00001; gnomAD exomes 0.00001 and 0.00002; TOPMed 0.00004; gnomAD 0.00005; ESP Exome Variant Server 0.00009.

Submissions (2):

Labcorp Genetics (formerly Invitae), Labcorp
Classification: Likely benign. Last evaluated: 2025-12-26. Review status: criteria provided, single submitter. Criteria: Invitae Variant Classification Sherloc (09022015). Collection method: clinical testing. Allele origin: germline.

GeneDx
Classification: Likely benign. Last evaluated: 2018-02-01. Review status: criteria provided, single submitter. Criteria: GeneDx Variant Classification (06012015). Collection method: clinical testing. Allele origin: germline. Affected: yes.
Comment: This variant is considered likely benign or benign based on one or more of the following criteria: it is a conservative change, it occurs at a poorly conserved position in the protein, it is predicted to be benign by multiple in silico algorithms, and/or has population frequency not consistent with disease.

NM_152424.4(AMER1):c.1252C>T (p.Arg418Trp)

Gene: AMER1 (APC membrane recruitment protein 1; minus strand). Cytogenetic location: Xq11.2.
Variant type: single nucleotide variant.
Coding change: c.1252C>T on transcript NM_152424.4 (MANE Select); coding-DNA position 1252, C replaced by T.
Protein change: p.Arg418Trp; replaces arginine 418 with tryptophan.
Molecular consequence: missense variant.
Genome position (GRCh38, 1-based): chrX:64,192,035, G>A on the plus strand (C>T on the coding strand, the complement: AMER1 is on the minus strand). VCF-style: chrX-64192035-G-A. GRCh37 (hg19) VCF-style: chrX-63411915-G-A.
Other names: short protein forms R418W.
Identifiers: ClinVar variation 516147 (VCV000516147.5), dbSNP rs372775016, ClinGen allele CA10432367.
Genomic context (GRCh38, chrX:64,192,035, plus strand): 5'-GCATGTAGCCGTGGTGGCCTGGGGATGTGGTGGGATGGTAGCCCAGGTTCATATTGGGCC[G>A]TGGATACATTTGGGCAGTTTCCCACAGATATTCTAAGTCATCATCTTCTTCCTCCTCCTT-3'
Protein context (NP_689637.3, residues 408-428): YLWETAQMYP[Arg418Trp]PNMNLGYHPT